The following is an entry in ClinVar:

NM_001040108.2(MLH3):c.262A>G (p.Arg88Gly)

Gene: MLH3 (mutL homolog 3; minus strand). Cytogenetic location: 14q24.3.
Variant type: single nucleotide variant.
Coding change: c.262A>G on transcript NM_001040108.2 (MANE Select); coding-DNA position 262, A replaced by G.
Protein change: p.Arg88Gly; replaces arginine 88 with glycine.
Molecular consequence: missense variant.
Genome position (GRCh38, 1-based): chr14:75,049,394, T>C on the plus strand (A>G on the coding strand, the complement: MLH3 is on the minus strand). VCF-style: chr14-75049394-T-C. GRCh37 (hg19) VCF-style: chr14-75516097-T-C.
Other names: c.262A>G, p.Arg88Gly (NM_014381.3); short protein forms R88G.
Identifiers: ClinVar variation 3396607 (VCV003396607.1).

ClinVar aggregate classification (germline): Uncertain significance (1 of 4 stars; one submission).

gnomAD v4.1: 4 of 1,614,040 alleles (0.00025%); highest among the groups gnomAD compares: Non-Finnish European, 0.00025%; no homozygotes.

Submission:

Ambry Genetics
Classification: Uncertain significance. Last evaluated: 2024-09-21. Review status: criteria provided, single submitter. Criteria: Ambry Variant Classification Scheme 2023. Collection method: clinical testing. Allele origin: germline.
Comment: The p.R88G variant (also known as c.262A>G), located in coding exon 1 of the MLH3 gene, results from an A to G substitution at nucleotide position 262. The arginine at codon 88 is replaced by glycine, an amino acid with dissimilar properties. This amino acid position is conserved. In addition, this alteration is predicted to be tolerated by in silico analysis. Based on the available evidence, the clinical significance of this variant remains unclear.